The following is an entry in ClinVar:

ClinVar aggregate classification (germline): Conflicting classifications of pathogenicity. Review status: criteria provided, conflicting classifications (1 of 4 stars). 3 submissions from 3 submitters: Uncertain significance (1); Benign (1); Likely benign (1). Last evaluated 2025-02-07.

Conditions:
Kabuki syndrome. Also called: NIIKAWA-KUROKI SYNDROME; Kabuki make-up syndrome. Identifiers: Orphanet 2322, MedGen C0796004, MONDO:0016512.
Inborn genetic diseases. Identifiers: MedGen C0950123, MeSH D030342.
Kabuki syndrome 1 (KABUK1). Also called: KMT2D-Related Kabuki Syndrome. Identifiers: Orphanet 2322, MedGen CN030661, MONDO:0007843, OMIM 147920.

Allele frequency attached by ClinVar (database versions not stated): gnomAD exomes 0.00001; TOPMed 0.00002; gnomAD 0.00003 and 0.00004.
gnomAD v4.1: 11 of 1,590,874 alleles (0.00069%); highest among the groups gnomAD compares: African/African-American, 0.0094%; no homozygotes.

Submissions (3):

Labcorp Genetics (formerly Invitae), Labcorp
Classification: Benign for Kabuki syndrome. Last evaluated: 2025-02-07. Review status: criteria provided, single submitter. Criteria: Invitae Variant Classification Sherloc (09022015). Collection method: clinical testing. Allele origin: germline.

Ambry Genetics
Classification: Likely benign for Inborn genetic diseases. Last evaluated: 2021-12-15. Review status: criteria provided, single submitter. Criteria: Ambry Variant Classification Scheme 2023. Collection method: clinical testing. Allele origin: germline.

Baylor Genetics
Classification: Uncertain significance for Kabuki syndrome 1. Last evaluated: 2018-04-02. Review status: criteria provided, single submitter. Criteria: ACMG Guidelines, 2015. Collection method: clinical testing. Allele origin: paternal. Affected: yes.
Comment: This variant was determined to be of uncertain significance according to ACMG Guidelines, 2015 [PMID:25741868].

NM_003482.4(KMT2D):c.7463C>T (p.Ser2488Leu)

Gene: KMT2D (lysine methyltransferase 2D; minus strand). Cytogenetic location: 12q13.12.
Variant type: single nucleotide variant.
Coding change: c.7463C>T on transcript NM_003482.4 (MANE Select); coding-DNA position 7463, C replaced by T.
Protein change: p.Ser2488Leu; replaces serine 2488 with leucine.
Molecular consequence: missense variant.
Genome position (GRCh38, 1-based): chr12:49,040,307, G>A on the plus strand (C>T on the coding strand, the complement: KMT2D is on the minus strand). VCF-style: chr12-49040307-G-A. GRCh37 (hg19) VCF-style: chr12-49434090-G-A.
Other names: short protein forms S2488L.
Identifiers: ClinVar variation 1033592 (VCV001033592.9), dbSNP rs779629382, ClinGen allele CA236647940.
Genomic context (GRCh38, chr12:49,040,307, plus strand): 5'-GCATGGAGCTCACCTGCTGGCCCCGCGGGCAGGGCTGCTGGGAACCCCCCAGCCCCCAGC[G>A]AAGTGTGGGCTAGAGACCCAGCCTTAAAGGCAACTTCAGGGGGCTGGGGTCGGGGTGGCT-3'
Protein context (NP_003473.3, residues 2478-2498): AFKAGSLAHT[Ser2488Leu]LGAGGFPAAL